The following is an entry in ClinVar:

ClinVar aggregate classification (germline): Uncertain significance (1 of 4 stars; one submission).

Conditions:
Hereditary sensory and autonomic neuropathy type 7. Also called: Neuropathy, hereditary sensory and autonomic, type VII; HSAN VII. Identifiers: Orphanet 391397, MedGen C3809882, MONDO:0014244, OMIM 615548.
Familial episodic pain syndrome with predominantly lower limb involvement. Also called: Episodic pain syndrome, familial, 3. Identifiers: Orphanet 391384, Orphanet 391392, MedGen C3809899, MONDO:0014247, OMIM 615552.

Allele frequency attached by ClinVar (database versions not stated): ExAC 0.00002; gnomAD exomes 0.00002 and 0.00005; gnomAD 0.00003; TOPMed 0.00003.
gnomAD v4.1: 34 of 1,613,940 alleles (0.0021%); highest among the groups gnomAD compares: East Asian, 0.013%; no homozygotes.

Submission:

Labcorp Genetics (formerly Invitae), Labcorp
Classification: Uncertain significance for Familial episodic pain syndrome with predominantly lower limb involvement; Hereditary sensory and autonomic neuropathy type 7. Last evaluated: 2024-03-07. Review status: criteria provided, single submitter. Criteria: Invitae Variant Classification Sherloc (09022015). Collection method: clinical testing. Allele origin: germline.
Comment: This sequence change replaces arginine, which is basic and polar, with glutamine, which is neutral and polar, at codon 1562 of the SCN11A protein (p.Arg1562Gln). This variant is present in population databases (rs771220857, gnomAD 0.03%). This variant has not been reported in the literature in individuals affected with SCN11A-related conditions. ClinVar contains an entry for this variant (Variation ID: 541549). Advanced modeling of protein sequence and biophysical properties (such as structural, functional, and spatial information, amino acid conservation, physicochemical variation, residue mobility, and thermodynamic stability) performed at Invitae indicates that this missense variant is not expected to disrupt SCN11A protein function with a negative predictive value of 80%. In summary, the available evidence is currently insufficient to determine the role of this variant in disease. Therefore, it has been classified as a Variant of Uncertain Significance.

NM_001349253.2(SCN11A):c.4685G>A (p.Arg1562Gln)

Gene: SCN11A (sodium voltage-gated channel alpha subunit 11; minus strand). Cytogenetic location: 3p22.2.
Variant type: single nucleotide variant.
Coding change: c.4685G>A on transcript NM_001349253.2 (MANE Select); coding-DNA position 4685, G replaced by A.
Protein change: p.Arg1562Gln; replaces arginine 1562 with glutamine.
Molecular consequence: missense variant.
Genome position (GRCh38, 1-based): chr3:38,847,385, C>T on the plus strand (G>A on the coding strand, the complement: SCN11A is on the minus strand). VCF-style: chr3-38847385-C-T. GRCh37 (hg19) VCF-style: chr3-38888876-C-T.
Other names: c.4685G>A, p.Arg1562Gln (NM_014139.3); short protein forms R1562Q.
Identifiers: ClinVar variation 541549 (VCV000541549.7), dbSNP rs771220857, ClinGen allele CA2321468.